The following is an entry in ClinVar:

NM_004621.6(TRPC6):c.2678G>T (p.Ser893Ile)

Gene: TRPC6 (transient receptor potential cation channel subfamily C member 6; minus strand). Cytogenetic location: 11q22.1.
Variant type: single nucleotide variant.
Coding change: c.2678G>T on transcript NM_004621.6 (MANE Select); coding-DNA position 2678, G replaced by T.
Protein change: p.Ser893Ile; replaces serine 893 with isoleucine.
Molecular consequence: missense variant.
Genome position (GRCh38, 1-based): chr11:101,453,073, C>A on the plus strand (G>T on the coding strand, the complement: TRPC6 is on the minus strand). VCF-style: chr11-101453073-C-A. GRCh37 (hg19) VCF-style: chr11-101323804-C-A.
Other names: short protein forms S893I.
Identifiers: ClinVar variation 805688 (VCV000805688.4), dbSNP rs1591517921, ClinGen allele CA382487008.
Genomic context (GRCh38, chr11:101,453,073, plus strand): 5'-ATAAGTTCTGCTAGGTCTTCTGTATTCTGAGATTTTTCTTCAAGGAGTTCATAGCGGAGA[C>A]TTGAGATGTCCTGCTTAATTTCCTTCAGTTCCCCTTTGAAAGCAAGAGTGATAAGAAGTC-3'
Protein context (NP_004612.2, residues 883-903): ELKEIKQDIS[Ser893Ile]LRYELLEEKS

ClinVar aggregate classification (germline): Conflicting classifications of pathogenicity. Review status: criteria provided, conflicting classifications (1 of 4 stars). 4 submissions from 4 submitters: Likely pathogenic (1); Uncertain significance (2). 1 of the submissions does not count toward it. Last evaluated 2025-11-28.

Conditions:
Focal segmental glomerulosclerosis 2 (FSGS2). Identifiers: Orphanet 656, MedGen C1858915, MONDO:0011390, OMIM 603965.

Submissions (4):

Variantyx, Inc.
Classification: Likely pathogenic for Focal segmental glomerulosclerosis 2. Last evaluated: 2025-11-28. Review status: criteria provided, single submitter. Criteria: Variantyx Assertion Criteria 2022. Collection method: clinical testing. Allele origin: de novo. Inheritance: Autosomal dominant inheritance. Affected: yes.
Comment: This is a nonsynonymous variant in the TRPC6 gene (OMIM: 603652). Pathogenic variants in this gene have been associated with autosomal dominant focal segmental glomerulosclerosis 2. Multiple computational algorithms predict a deleterious effect for this variant (REVEL score: 0.811) (PP3). This variant is absent from control populations (PM2). Based on the current evidence, this variant is classified as likely pathogenic for autosomal dominant focal segmental glomerulosclerosis 2.This variant was reported by previous genetic testing.

3billion
Classification: Uncertain significance for Focal segmental glomerulosclerosis 2. Last evaluated: 2022-01-03. Review status: criteria provided, single submitter. Criteria: ACMG Guidelines, 2015. Collection method: clinical testing. Allele origin: germline. Affected: yes. Observed: 1 heterozygote.
Comment: The variant not observed in the gnomAD v2.1.1 dataset (PM2_M). In silico tool predictions suggest damaging effect of the variant on gene or gene product (REVEL: 0.811, PP3_P). A missense variant is a common mechanism associated with Glomerulosclerosis (PP2_P). Therefore, this variant is classified as uncertain significance according to the recommendation of ACMG/AMP guideline.

Athena Diagnostics
Classification: Uncertain significance. Last evaluated: 2018-11-29. Review status: criteria provided, single submitter. Criteria: Athena Diagnostics Criteria. Collection method: clinical testing. Allele origin: germline.

Bioscientia Institut fuer Medizinische Diagnostik GmbH, Sonic Healthcare
Classification: Uncertain significance for Focal segmental glomerulosclerosis 2. Last evaluated: 2019-11-22. Review status: no assertion criteria provided. Collection method: clinical testing. Allele origin: germline. Affected: yes. Not counted in ClinVar's aggregate classification.